The following is an entry in ClinVar:

NM_001384732.1(CPLANE1):c.5791A>T (p.Met1931Leu)

Gene: CPLANE1 (ciliogenesis and planar polarity effector complex subunit 1; minus strand). Cytogenetic location: 5p13.2.
Variant type: single nucleotide variant.
Coding change: c.5791A>T on transcript NM_001384732.1 (MANE Select); coding-DNA position 5791, A replaced by T.
Protein change: p.Met1931Leu; replaces methionine 1931 with leucine.
Molecular consequence: missense variant.
Genome position (GRCh38, 1-based): chr5:37,179,390, T>A on the plus strand (A>T on the coding strand, the complement: CPLANE1 is on the minus strand). VCF-style: chr5-37179390-T-A. GRCh37 (hg19) VCF-style: chr5-37179492-T-A.
Other names: c.5791A>T, p.Met1931Leu (NM_023073.4); short protein forms M1931L.
Identifiers: ClinVar variation 1414788 (VCV001414788.6), dbSNP rs2151089395, ClinGen allele CA359488789.

ClinVar aggregate classification (germline): Uncertain significance (1 of 4 stars; one submission).

Submission:

Labcorp Genetics (formerly Invitae), Labcorp
Classification: Uncertain significance. Last evaluated: 2022-02-08. Review status: criteria provided, single submitter. Criteria: Invitae Variant Classification Sherloc (09022015). Collection method: clinical testing. Allele origin: germline.
Comment: This sequence change replaces methionine, which is neutral and non-polar, with leucine, which is neutral and non-polar, at codon 1931 of the CPLANE1 protein (p.Met1931Leu). This variant is not present in population databases (gnomAD no frequency). This variant has not been reported in the literature in individuals affected with CPLANE1-related conditions. Advanced modeling of protein sequence and biophysical properties (such as structural, functional, and spatial information, amino acid conservation, physicochemical variation, residue mobility, and thermodynamic stability) performed at Invitae indicates that this missense variant is not expected to disrupt CPLANE1 protein function. In summary, the available evidence is currently insufficient to determine the role of this variant in disease. Therefore, it has been classified as a Variant of Uncertain Significance.